The following is an entry in ClinVar:

NM_000466.3(PEX1):c.2021C>T (p.Pro674Leu)

Gene: PEX1 (peroxisomal biogenesis factor 1; minus strand). Cytogenetic location: 7q21.2.
Variant type: single nucleotide variant.
Coding change: c.2021C>T on transcript NM_000466.3 (MANE Select); coding-DNA position 2021, C replaced by T.
Protein change: p.Pro674Leu; replaces proline 674 with leucine.
Molecular consequence: missense variant. On other transcripts: intron variant (1).
Genome position (GRCh38, 1-based): chr7:92,504,782, G>A on the plus strand (C>T on the coding strand, the complement: PEX1 is on the minus strand). VCF-style: chr7-92504782-G-A. GRCh37 (hg19) VCF-style: chr7-92134096-G-A.
Other names: c.1397C>T, p.Pro466Leu (NM_001282678.2); c.1900+1466C>T (NM_001282677.2); c.2021C>T (NM_000466.2); short protein forms P674L, P466L.
Identifiers: ClinVar variation 290970 (VCV000290970.10), dbSNP rs141509344, ClinGen allele CA4341239.

ClinVar aggregate classification (germline): Uncertain significance. Review status: criteria provided, multiple submitters, no conflicts (2 of 4 stars). 6 submissions from 6 submitters: Uncertain significance (5). 1 of the submissions does not count toward it. Last evaluated 2023-09-21.

Conditions:
Inborn genetic diseases. Identifiers: MedGen C0950123, MeSH D030342.
PEX1-related disorder. Also called: PEX1-related condition.
Zellweger spectrum disorders (ZS). Also called: Zellweger Spectrum Disorder; Zellweger Spectrum; Zellweger syndrome; Zellweger Spectrum Disorder (ZSD). Identifiers: Orphanet 912, MedGen C0043459, MONDO:0019609.
Peroxisome biogenesis disorder 1B (PBD1B). Also called: Refsum disease, infantile form; Infantile Refsum disease; Infantile form of phytanic acid storage disease; PEROXISOME BIOGENESIS DISORDER (NALD/IRD); ADRENOLEUKODYSTROPHY, AUTOSOMAL NEONATAL; PEROXISOME BIOGENESIS DISORDER (NEONATAL ADRENOLEUKODYSTROPHY/INFANTILE REFSUM DISEASE). Identifiers: Orphanet 44, MedGen C0282527, MONDO:0011101, OMIM 601539.
Heimler syndrome 1 (HMLR1). Also called: PEROXISOME BIOGENESIS DISORDER 1C. Identifiers: Orphanet 3220, MedGen C4551980, OMIM 234580, MONDO:0024544.
Peroxisome biogenesis disorder 1A (Zellweger) (PBD1A). Also called: Zellweger leukodystrophy; Peroxisome biogenesis disorder 1a. Identifiers: MedGen C4721541, MONDO:0008953, OMIM 214100.

Allele frequency attached by ClinVar (database versions not stated): gnomAD exomes 0.00004 and 0.00010; gnomAD 0.00006 and 0.00007; TOPMed 0.00006; ExAC 0.00007; ESP Exome Variant Server 0.00023.
gnomAD v4.1: 168 of 1,613,988 alleles (0.01%); highest among the groups gnomAD compares: Non-Finnish European, 0.012%; 1 homozygote.

Submissions (6):

Department of Pathology and Laboratory Medicine, Sinai Health System
Classification: Uncertain significance for Peroxisome biogenesis disorder 1A (Zellweger); Heimler syndrome 1; Peroxisome biogenesis disorder 1B. Last evaluated: 2023-09-21. Review status: criteria provided, single submitter. Criteria: ACMG Guidelines, 2015. Collection method: research. Allele origin: germline.

Labcorp Genetics (formerly Invitae), Labcorp
Classification: Uncertain significance for Zellweger spectrum disorders. Last evaluated: 2022-09-15. Review status: criteria provided, single submitter. Criteria: Invitae Variant Classification Sherloc (09022015). Collection method: clinical testing. Allele origin: germline.
Comment: This sequence change replaces proline, which is neutral and non-polar, with leucine, which is neutral and non-polar, at codon 674 of the PEX1 protein (p.Pro674Leu). This variant is present in population databases (rs141509344, gnomAD 0.01%). This missense change has been observed in individual(s) with PEX1-related conditions (PMID: 32203225). ClinVar contains an entry for this variant (Variation ID: 290970). Advanced modeling of protein sequence and biophysical properties (such as structural, functional, and spatial information, amino acid conservation, physicochemical variation, residue mobility, and thermodynamic stability) performed at Invitae indicates that this missense variant is not expected to disrupt PEX1 protein function. In summary, the available evidence is currently insufficient to determine the role of this variant in disease. Therefore, it has been classified as a Variant of Uncertain Significance.

Blueprint Genetics
Classification: Uncertain significance. Last evaluated: 2022-06-17. Review status: criteria provided, single submitter. Criteria: ACMG Guidelines, 2015. Collection method: clinical testing. Allele origin: germline.

Ambry Genetics
Classification: Uncertain significance for Inborn genetic diseases. Last evaluated: 2021-09-15. Review status: criteria provided, single submitter. Criteria: Ambry Variant Classification Scheme 2023. Collection method: clinical testing. Allele origin: germline.
Comment: (Thomas, 2020) Based on insufficient or conflicting evidence, the clinical significance of this alteration remains unclear.

Eurofins Ntd Llc (ga)
Classification: Uncertain significance. Last evaluated: 2018-02-01. Review status: criteria provided, single submitter. Criteria: EGL Classification Definitions 2015. Collection method: clinical testing. Allele origin: germline. Observed: 3 variant alleles, 3 heterozygotes.

PreventionGenetics, part of Exact Sciences
Classification: Uncertain significance for PEX1-related condition. Last evaluated: 2024-09-04. Review status: no assertion criteria provided. Collection method: clinical testing. Allele origin: germline. Not counted in ClinVar's aggregate classification.
Comment: The PEX1 c.2021C>T variant is predicted to result in the amino acid substitution p.Pro674Leu. This variant was reported in an individual with Zellweger syndrome, who also had two pathogenic variants in PEX1 (Thomas et al. 2020. PubMed ID: 32203225). This variant is reported in 0.0099% of alleles in individuals of Ashkenazi Jewish descent in gnomAD. At this time, the clinical significance of this variant is uncertain due to the absence of conclusive functional and genetic evidence.

Literature cited by the submitters: PubMed 32203225 (cited by Labcorp Genetics (formerly Invitae), Labcorp and Ambry Genetics).